The following is an entry in ClinVar:

ClinVar aggregate classification (germline): Uncertain significance (0 of 4 stars; one submission).

Conditions:
EEF1A2-related disorder. Also called: EEF1A2-related disorders; EEF1A2-related condition.

Submission:

PreventionGenetics, part of Exact Sciences
Classification: Uncertain significance for EEF1A2-related condition. Last evaluated: 2023-11-14. Review status: no assertion criteria provided. Collection method: clinical testing. Allele origin: germline.
Comment: The EEF1A2 c.31G>A variant is predicted to result in the amino acid substitution p.Val11Met. To our knowledge, this variant has not been reported in the literature or in a large population database, indicating this variant is rare. At this time, the clinical significance of this variant is uncertain due to the absence of conclusive functional and genetic evidence.

NM_001958.5(EEF1A2):c.31G>A (p.Val11Met)

Gene: EEF1A2 (eukaryotic translation elongation factor 1 alpha 2; minus strand). Cytogenetic location: 20q13.33.
Variant type: single nucleotide variant.
Coding change: c.31G>A on transcript NM_001958.5 (MANE Select); coding-DNA position 31, G replaced by A.
Protein change: p.Val11Met; replaces valine 11 with methionine.
Molecular consequence: missense variant.
Genome position (GRCh38, 1-based): chr20:63,497,733, C>T on the plus strand (G>A on the coding strand, the complement: EEF1A2 is on the minus strand). VCF-style: chr20-63497733-C-T. GRCh37 (hg19) VCF-style: chr20-62129086-C-T.
Other names: short protein forms V11M.
Identifiers: ClinVar variation 3040852 (VCV003040852.2), dbSNP rs2516787002, ClinGen allele CA409651927.